The following is an entry in ClinVar:

ClinVar aggregate classification (germline): Likely benign. Review status: criteria provided, multiple submitters, no conflicts (2 of 4 stars). 4 submissions from 4 submitters: Likely benign (3). 1 of the submissions does not count toward it. Last evaluated 2025-11-24.

Conditions:
BAG3-related disorder. Also called: BAG3-related condition.
Cardiovascular phenotype. Identifiers: MedGen CN230736.
Myofibrillar myopathy 6. Identifiers: Orphanet 199340, MedGen C2751831, MONDO:0013061, OMIM 612954.
Dilated cardiomyopathy 1HH (CMD1HH). Identifiers: Orphanet 154, MedGen C3151293, MONDO:0013479, OMIM 613881.

Allele frequency attached by ClinVar (database versions not stated): ExAC 0.00001; gnomAD exomes 0.00001 and 0.00002; TOPMed 0.00002; gnomAD 0.00003.
gnomAD v4.1: 26 of 1,614,018 alleles (0.0016%); highest among the groups gnomAD compares: Non-Finnish European, 0.002%; no homozygotes.

Submissions (4):

Labcorp Genetics (formerly Invitae), Labcorp
Classification: Likely benign for Dilated cardiomyopathy 1HH; Myofibrillar myopathy 6. Last evaluated: 2025-11-24. Review status: criteria provided, single submitter. Criteria: Invitae Variant Classification Sherloc (09022015). Collection method: clinical testing. Allele origin: germline.

Blueprint Genetics
Classification: Likely benign. Last evaluated: 2023-11-08. Review status: criteria provided, single submitter. Criteria: ACMG Guidelines, 2015. Collection method: clinical testing. Allele origin: germline.

Ambry Genetics
Classification: Likely benign for Cardiovascular phenotype. Last evaluated: 2022-11-19. Review status: criteria provided, single submitter. Criteria: Ambry Variant Classification Scheme 2023. Collection method: clinical testing. Allele origin: germline.

PreventionGenetics, part of Exact Sciences
Classification: Likely benign for BAG3-related condition. Last evaluated: 2023-09-27. Review status: no assertion criteria provided. Collection method: clinical testing. Allele origin: germline. Not counted in ClinVar's aggregate classification.
Comment: This variant is classified as likely benign based on ACMG/AMP sequence variant interpretation guidelines (Richards et al. 2015 PMID: 25741868, with internal and published modifications).

NM_004281.4(BAG3):c.1281C>T (p.Ala427=)

Gene: BAG3 (BAG cochaperone 3; plus strand). Cytogenetic location: 10q26.11.
Variant type: single nucleotide variant.
Coding change: c.1281C>T on transcript NM_004281.4 (MANE Select); coding-DNA position 1281, C replaced by T.
Protein change: p.Ala427=; no amino-acid change (alanine 427 retained).
Molecular consequence: synonymous variant.
Genome position (GRCh38, 1-based): chr10:119,676,835, C>T. VCF-style: chr10-119676835-C-T. GRCh37 (hg19) VCF-style: chr10-121436347-C-T.
Identifiers: ClinVar variation 698829 (VCV000698829.15), dbSNP rs748724796, ClinGen allele CA5716526.